The following is an entry in ClinVar:

ClinVar aggregate classification (germline): Uncertain significance (0 of 4 stars; one submission).

gnomAD v4.1: 2 of 1,612,528 alleles (0.00012%); highest among the groups gnomAD compares: Non-Finnish European, 0.00017%; no homozygotes.

Submission:

Department of Pathology and Laboratory Medicine, Sinai Health System
Classification: Uncertain significance. Review status: no assertion criteria provided. Collection method: clinical testing. Allele origin: unknown. Affected: yes. Study: The Canadian Open Genetics Repository (COGR).
Comment: The TNXB p.Arg2559Ser variant was not identified in the literature nor was it identified in dbSNP, ClinVar, Cosmic, LOVD 3.0 or in the following control databases: the 1000 Genomes Project, the NHLBI GO Exome Sequencing Project, the Exome Aggregation Consortium (August 8th 2016), or the Genome Aggregation Database (Feb 27, 2017). The p.Arg2559 residue is not conserved in mammals and three out of four computational analyses (SIFT, AlignGVGD, MutationTaster) do not suggest a high likelihood of impact to the protein; however, this information is not predictive enough to rule out pathogenicity. The variant occurs outside of the splicing consensus sequence and in silico or computational prediction software programs (SpliceSiteFinder, MaxEntScan, NNSPLICE, GeneSplicer) do not predict a difference in splicing. In summary, based on the above information the clinical significance of this variant cannot be determined with certainty at this time. This variant is classified as a variant of uncertain significance.

NM_001365276.2(TNXB):c.7677G>C (p.Arg2559Ser)

Gene: TNXB (tenascin XB; minus strand). Cytogenetic location: 6p21.33.
Variant type: single nucleotide variant.
Coding change: c.7677G>C on transcript NM_001365276.2 (MANE Select); coding-DNA position 7677, G replaced by C.
Protein change: p.Arg2559Ser; replaces arginine 2559 with serine.
Molecular consequence: missense variant.
Genome position (GRCh38, 1-based): chr6:32,058,206, C>G on the plus strand (G>C on the coding strand, the complement: TNXB is on the minus strand). VCF-style: chr6-32058206-C-G. GRCh37 (hg19) VCF-style: chr6-32025983-C-G.
Other names: c.7677G>C, p.Arg2559Ser (NM_019105.8); short protein forms R2559S.
Identifiers: ClinVar variation 1049042 (VCV001049042.1), dbSNP rs2151903803, ClinGen allele CA363551296.